The following is an entry in ClinVar:

ClinVar aggregate classification (germline): Conflicting classifications of pathogenicity. Review status: criteria provided, conflicting classifications (1 of 4 stars). 3 submissions from 3 submitters: Pathogenic (2); Uncertain significance (1). Last evaluated 2026-10-03.

Conditions:
Congenitally corrected transposition of the great arteries. Also called: Congenitally corrected transposition of the great vessels; Levotransposition of the great arteries. Identifiers: Orphanet 216694, MedGen C0344616, MONDO:0016301, HP:0011540.
Heterotaxy, visceral, 5, autosomal (HTX5). Also called: Heterotaxy, visceral, 5. Identifiers: Orphanet 450, MedGen C3495537, MONDO:0700112, OMIM 270100.

Submissions (3):

GeneDx
Classification: Pathogenic. Last evaluated: 2026-10-03. Review status: criteria provided, single submitter. Criteria: GeneDx Variant Classification Process June 2021. Collection method: clinical testing. Allele origin: germline.
Comment: Observed in an individual with transposition of the great arteries and an atrial septal defect; however, this variant was present in the individual's unaffected father and siblings, and this individual also harbored a de novo variant in the TLL1 candidate gene which may play a role in cardiac development (PMID: 31570783); Frameshift variant predicted to result in protein truncation or nonsense mediated decay in a gene for which loss of function is a known mechanism of disease; Not observed at significant frequency in large population cohorts (gnomAD); This variant is associated with the following publications: (PMID: 37644014, 31570783)

Labcorp Genetics (formerly Invitae), Labcorp
Classification: Pathogenic for Heterotaxy, visceral, 5, autosomal. Last evaluated: 2025-12-21. Review status: criteria provided, single submitter. Criteria: Invitae Variant Classification Sherloc (09022015). Collection method: clinical testing. Allele origin: germline.
Comment: This sequence change creates a premature translational stop signal (p.Thr186Hisfs*92) in the NODAL gene. It is expected to result in an absent or disrupted protein product. Loss-of-function variants in NODAL are known to be pathogenic (PMID: 19064609, 19933292). The frequency data for this variant in the population databases is considered unreliable, as metrics indicate poor data quality at this position in the gnomAD database. This premature translational stop signal has been observed in individual(s) with clinical features of NODAL-related conditions (PMID: 31570783, 37644014). ClinVar contains an entry for this variant (Variation ID: 690399). For these reasons, this variant has been classified as Pathogenic.

Genomic Medicine Center of Excellence, King Faisal Specialist Hospital and Research Centre
Classification: Uncertain significance for Congenitally corrected transposition of the great arteries. Review status: criteria provided, single submitter. Criteria: ACMG Guidelines, 2015. Collection method: clinical testing. Allele origin: paternal. Inheritance: Autosomal dominant inheritance. Affected: yes. Observed: 1 heterozygote.

Literature cited by the submitters: PubMed 19064609 (cited by Labcorp Genetics (formerly Invitae), Labcorp); PubMed 19933292 (cited by Labcorp Genetics (formerly Invitae), Labcorp); PubMed 31570783 (cited by Labcorp Genetics (formerly Invitae), Labcorp); PubMed 37644014 (cited by Labcorp Genetics (formerly Invitae), Labcorp).

NM_018055.5(NODAL):c.555dup (p.Thr186fs)

Gene: NODAL (nodal growth differentiation factor; minus strand). Cytogenetic location: 10q22.1.
Variant type: Duplication.
Coding change: c.555dup on transcript NM_018055.5 (MANE Select); coding-DNA position 555, one base duplicated (C; older notation c.555dupC).
Protein change: p.Thr186fs; shifts the reading frame from threonine 186.
Molecular consequence: frameshift variant.
Genome position (GRCh38, 1-based): chr10:70,435,622, G duplicated on the plus strand (C on the coding strand, the reverse complement: NODAL is on the minus strand); the first of 6 consecutive G bases (chr10:70,435,622-70,435,627); duplicating any one gives the same sequence. VCF-style (leftmost placement, unchanged base first): chr10-70435621-T-TG. GRCh37 (hg19) VCF-style: chr10-72195377-T-TG.
Other names: c.156dup, p.Thr53fs (NM_001329906.2); short protein forms T186fs, T53fs.
Identifiers: ClinVar variation 690399 (VCV000690399.6), dbSNP rs772802856, ClinGen allele CA5537579.